The following is an entry in ClinVar:

ClinVar aggregate classification (germline): Uncertain significance (1 of 4 stars; one submission).

gnomAD v4.1: 2 of 1,613,474 alleles (0.00012%); highest among the groups gnomAD compares: African/African-American, 0.0013%; no homozygotes.

Submission:

Labcorp Genetics (formerly Invitae), Labcorp
Classification: Uncertain significance. Last evaluated: 2025-08-30. Review status: criteria provided, single submitter. Criteria: Invitae Variant Classification Sherloc (09022015). Collection method: clinical testing. Allele origin: germline.
Comment: This sequence change replaces methionine, which is neutral and non-polar, with threonine, which is neutral and polar, at codon 1974 of the CACNA1E protein (p.Met1974Thr). This variant is present in population databases (rs369826974, gnomAD 0.007%). This variant has not been reported in the literature in individuals affected with CACNA1E-related conditions. Invitae Evidence Modeling of protein sequence and biophysical properties (such as structural, functional, and spatial information, amino acid conservation, physicochemical variation, residue mobility, and thermodynamic stability) has been performed for this missense variant. However, the output from this modeling did not meet the statistical confidence thresholds required to predict the impact of this variant on CACNA1E protein function. In summary, the available evidence is currently insufficient to determine the role of this variant in disease. Therefore, it has been classified as a Variant of Uncertain Significance.

NM_001205293.3(CACNA1E):c.6050T>C (p.Met2017Thr)

Gene: CACNA1E (calcium voltage-gated channel subunit alpha1 E; plus strand). Cytogenetic location: 1q25.3.
Variant type: single nucleotide variant.
Coding change: c.6050T>C on transcript NM_001205293.3 (MANE Select); coding-DNA position 6050, T replaced by C.
Protein change: p.Met2017Thr; replaces methionine 2017 with threonine.
Molecular consequence: missense variant.
Genome position (GRCh38, 1-based): chr1:181,794,886, T>C. VCF-style: chr1-181794886-T-C. GRCh37 (hg19) VCF-style: chr1-181764022-T-C.
Other names: c.5921T>C, p.Met1974Thr (NM_000721.4); c.5864T>C, p.Met1955Thr (NM_001205294.2); short protein forms M1955T, M1974T, M2017T.
Identifiers: ClinVar variation 4694405 (VCV004694405.1).